The following is an entry in ClinVar:

ClinVar aggregate classification (germline): Uncertain significance. Review status: criteria provided, multiple submitters, no conflicts (2 of 4 stars). 2 submissions from 2 submitters: Uncertain significance (2). Last evaluated 2023-11-10.

Conditions:
Emery-Dreifuss muscular dystrophy 4, autosomal dominant (EDMD4). Also called: EMERY-DREIFUSS MUSCULAR DYSTROPHY 4 WITH VARIABLE FEATURES. Identifiers: Orphanet 261, MedGen C2751807, MONDO:0013071, OMIM 612998.
Autosomal recessive ataxia, Beauce type. Also called: ATAXIA, RECESSIVE, OF BEAUCE; SYNE1 Deficiency; Spinocerebellar ataxia, autosomal recessive 8; SYNE1-Related Autosomal Recessive Cerebellar Ataxia. Identifiers: Orphanet 88644, MedGen C1853116, MONDO:0012549, OMIM 610743.

Allele frequency attached by ClinVar (database versions not stated): gnomAD exomes below 0.00001.
gnomAD v4.1: 1 of 1,614,136 alleles (0.000062%); highest among the groups gnomAD compares: Non-Finnish European, 0.000085%; no homozygotes.

Submissions (2):

Athena Diagnostics
Classification: Uncertain significance. Last evaluated: 2023-11-10. Review status: criteria provided, single submitter. Criteria: Athena Diagnostics Criteria. Collection method: clinical testing. Allele origin: unknown.
Comment: Available data are insufficient to determine the clinical significance of the variant at this time. This variant has not been reported in large, multi-ethnic general populations. Computational tools disagree on the variant's effect on normal protein function.

Labcorp Genetics (formerly Invitae), Labcorp
Classification: Uncertain significance for Emery-Dreifuss muscular dystrophy 4, autosomal dominant; Autosomal recessive ataxia, Beauce type. Last evaluated: 2019-12-05. Review status: criteria provided, single submitter. Criteria: Invitae Variant Classification Sherloc (09022015). Collection method: clinical testing. Allele origin: germline.
Comment: This variant has not been reported in the literature in individuals with SYNE1-related conditions. This variant is not present in population databases (ExAC no frequency). This sequence change replaces aspartic acid with glycine at codon 13 of the SYNE1 protein (p.Asp13Gly). The aspartic acid residue is moderately conserved and there is a moderate physicochemical difference between aspartic acid and glycine. Algorithms developed to predict the effect of missense changes on protein structure and function are either unavailable or do not agree on the potential impact of this missense change (SIFT: "Deleterious"; PolyPhen-2: "Benign"; Align-GVGD: "Class C0"). In summary, the available evidence is currently insufficient to determine the role of this variant in disease. Therefore, it has been classified as a Variant of Uncertain Significance. Algorithms developed to predict the effect of sequence changes on RNA splicing suggest that this variant may create or strengthen a splice site, but this prediction has not been confirmed by published transcriptional studies.

NM_182961.4(SYNE1):c.38A>G (p.Asp13Gly)

Gene: SYNE1 (spectrin repeat containing nuclear envelope protein 1; minus strand). Cytogenetic location: 6q25.2.
Variant type: single nucleotide variant.
Coding change: c.38A>G on transcript NM_182961.4 (MANE Select); coding-DNA position 38, A replaced by G.
Protein change: p.Asp13Gly; replaces aspartic acid 13 with glycine.
Molecular consequence: missense variant.
Genome position (GRCh38, 1-based): chr6:152,628,294, T>C on the plus strand (A>G on the coding strand, the complement: SYNE1 is on the minus strand). VCF-style: chr6-152628294-T-C. GRCh37 (hg19) VCF-style: chr6-152949429-T-C.
Other names: c.38A>G, p.Asp13Gly (NM_033071.5); c.38A>G (NM_182961.2); short protein forms D13G.
Identifiers: ClinVar variation 857929 (VCV000857929.10), dbSNP rs2099690291, ClinGen allele CA366215689.